The following is an entry in ClinVar:

NM_006648.4(WNK2):c.3254C>T (p.Thr1085Ile)

Gene: WNK2 (WNK lysine deficient protein kinase 2; plus strand). Cytogenetic location: 9q22.31.
Variant type: single nucleotide variant.
Coding change: c.3254C>T on transcript NM_006648.4 (MANE Select); coding-DNA position 3254, C replaced by T.
Protein change: p.Thr1085Ile; replaces threonine 1085 with isoleucine.
Molecular consequence: missense variant.
Genome position (GRCh38, 1-based): chr9:93,262,001, C>T. VCF-style: chr9-93262001-C-T. GRCh37 (hg19) VCF-style: chr9-96024283-C-T.
Other names: c.3254C>T, p.Thr1085Ile (NM_001282394.3); short protein forms T1085I.
Identifiers: ClinVar variation 4826247 (VCV004826247.1).

ClinVar aggregate classification (germline): Uncertain significance (1 of 4 stars; one submission).

gnomAD v4.1: 1 of 1,611,870 alleles (0.000062%); highest among the groups gnomAD compares: Non-Finnish European, 0.000085%; no homozygotes.

Submission:

Ambry Genetics
Classification: Uncertain significance. Last evaluated: 2026-03-09. Review status: criteria provided, single submitter. Criteria: Ambry Variant Classification Scheme 2023. Collection method: clinical testing. Allele origin: germline.
Comment: The p.T1085I variant (also known as c.3254C>T), located in coding exon 12 of the WNK2 gene, results from a C to T substitution at nucleotide position 3254. The threonine at codon 1085 is replaced by isoleucine, an amino acid with similar properties. This amino acid position is conserved. In addition, this alteration is predicted to be tolerated by in silico analysis. Based on the available evidence, the clinical significance of this variant remains unclear.